The following is an entry in ClinVar:

ClinVar aggregate classification (germline): Conflicting classifications of pathogenicity. Review status: criteria provided, conflicting classifications (1 of 4 stars). 10 submissions from 10 submitters: Uncertain significance (1); Benign (5); Likely benign (2). 2 of the submissions do not count toward it. Last evaluated 2026-03-01.

Conditions:
Hereditary spastic paraplegia. Also called: Familial spastic paraparesis. Identifiers: Orphanet 685, MedGen C0037773, MONDO:0019064. Disease mechanism: loss of function.
Hereditary spastic paraplegia 7 (SPG7). Also called: Spastic paraplegia 7; Hereditary spastic paraplegia Paraplegin type; Autosomal recessive spastic paraplegia type 7; SPASTIC PARAPLEGIA 7, AUTOSOMAL RECESSIVE, WITH OR WITHOUT CEREBELLAR ATAXIA; SPG7-related neurologic disorder. Identifiers: Orphanet 99013, MedGen C1846564, MONDO:0011803, OMIM 607259.

Allele frequency attached by ClinVar (database versions not stated): gnomAD exomes 0.00030 and 0.00091; TOPMed 0.00351; ExAC 0.00114; gnomAD 0.00386; 1000 Genomes Project 0.00359; 1000 Genomes Project 30x 0.00375; ESP Exome Variant Server 0.00439.
gnomAD v4.1: 990 of 1,605,026 alleles (0.062%); highest among the groups gnomAD compares: African/African-American, 1.2%; 9 homozygotes.

Submissions (10):

CeGaT Center for Human Genetics Tuebingen
Classification: Likely benign. Last evaluated: 2026-03-01. Review status: criteria provided, single submitter. Criteria: CeGaT Center For Human Genetics Tuebingen Variant Classification Criteria Version 2. Collection method: clinical testing. Allele origin: germline. Affected: yes. Observed: 4 variant alleles.
Comment: SPG7: BP4, BP7, BS1

Labcorp Genetics (formerly Invitae), Labcorp
Classification: Benign for Hereditary spastic paraplegia 7. Last evaluated: 2026-01-11. Review status: criteria provided, single submitter. Criteria: Invitae Variant Classification Sherloc (09022015). Collection method: clinical testing. Allele origin: germline.

Blueprint Genetics
Classification: Likely benign. Last evaluated: 2024-10-04. Review status: criteria provided, single submitter. Criteria: ACMG Guidelines, 2015. Collection method: clinical testing. Allele origin: germline.

ARUP Laboratories, Molecular Genetics and Genomics, ARUP Laboratories
Classification: Benign for Hereditary spastic paraplegia 7. Last evaluated: 2022-09-13. Review status: criteria provided, single submitter. Criteria: ARUP Molecular Germline Variant Investigation Process 2021. Collection method: clinical testing. Allele origin: germline.

Genome Diagnostics Laboratory, The Hospital for Sick Children
Classification: Uncertain significance for Hereditary spastic paraplegia. Last evaluated: 2016-12-12. Review status: criteria provided, single submitter. Criteria: ACMG Guidelines, 2015. Collection method: clinical testing. Allele origin: germline. Affected: yes.

Mayo Clinic Laboratories, Mayo Clinic
Classification: Benign. Last evaluated: 2016-08-25. Review status: criteria provided, single submitter. Criteria: ACMG Guidelines, 2015. Collection method: clinical testing. Allele origin: germline. Observed: 2 variant alleles.

GeneDx
Classification: Benign. Last evaluated: 2014-06-16. Review status: criteria provided, single submitter. Criteria: GeneDx Variant Classification (06012015). Collection method: clinical testing. Allele origin: germline. Affected: yes.
Comment: This variant is considered likely benign or benign based on one or more of the following criteria: it is a conservative change, it occurs at a poorly conserved position in the protein, it is predicted to be benign by multiple in silico algorithms, and/or has population frequency not consistent with disease.

PreventionGenetics, part of Exact Sciences
Classification: Benign. Review status: criteria provided, single submitter. Criteria: ACMG Guidelines, 2015. Collection method: clinical testing. Allele origin: germline.

Diagnostic Laboratory, Department of Genetics, University Medical Center Groningen
Classification: Benign. Review status: no assertion criteria provided. Collection method: clinical testing. Allele origin: germline. Affected: yes. Study: VKGL Data-share Consensus. Not counted in ClinVar's aggregate classification.

Joint Genome Diagnostic Labs from Nijmegen and Maastricht, Radboudumc and MUMC+
Classification: Benign. Review status: no assertion criteria provided. Collection method: clinical testing. Allele origin: germline. Affected: yes. Study: VKGL Data-share Consensus. Not counted in ClinVar's aggregate classification.

NM_003119.4(SPG7):c.1653C>T (p.Arg551=)

Gene: SPG7 (SPG7 matrix AAA peptidase subunit, paraplegin; plus strand). Cytogenetic location: 16q24.3.
Variant type: single nucleotide variant.
Coding change: c.1653C>T on transcript NM_003119.4 (MANE Select); coding-DNA position 1653, C replaced by T.
Protein change: p.Arg551=; no amino-acid change (arginine 551 retained).
Molecular consequence: synonymous variant.
Genome position (GRCh38, 1-based): chr16:89,548,103, C>T. VCF-style: chr16-89548103-C-T. GRCh37 (hg19) VCF-style: chr16-89614511-C-T.
Other names: p.R551R:CGC>CGT; p.Arg551=; c.1653C>T, p.Arg551= (NM_001363850.1).
Identifiers: ClinVar variation 215189 (VCV000215189.55), dbSNP rs56031686, ClinGen allele CA336170.